The following is an entry in ClinVar:

ClinVar aggregate classification (germline): Uncertain significance. Review status: criteria provided, multiple submitters, no conflicts (2 of 4 stars). 2 submissions from 2 submitters: Uncertain significance (2). Last evaluated 2025-03-18.

Conditions:
Colorectal cancer, hereditary nonpolyposis, type 7. Identifiers: Orphanet 144, MedGen C1858380, MONDO:0013725, OMIM 614385.

Allele frequency attached by ClinVar (database versions not stated): gnomAD exomes below 0.00001.
gnomAD v4.1: 1 of 1,614,128 alleles (0.000062%); highest among the groups gnomAD compares: Non-Finnish European, 0.000085%; no homozygotes.

Submissions (2):

Labcorp Genetics (formerly Invitae), Labcorp
Classification: Uncertain significance for Colorectal cancer, hereditary nonpolyposis, type 7. Last evaluated: 2025-03-18. Review status: criteria provided, single submitter. Criteria: Invitae Variant Classification Sherloc (09022015). Collection method: clinical testing. Allele origin: germline.
Comment: This sequence change replaces valine, which is neutral and non-polar, with alanine, which is neutral and non-polar, at codon 207 of the MLH3 protein (p.Val207Ala). This variant is not present in population databases (gnomAD no frequency). This variant has not been reported in the literature in individuals affected with MLH3-related conditions. ClinVar contains an entry for this variant (Variation ID: 1471096). An algorithm developed to predict the effect of missense changes on protein structure and function (PolyPhen-2) suggests that this variant is likely to be tolerated. In summary, the available evidence is currently insufficient to determine the role of this variant in disease. Therefore, it has been classified as a Variant of Uncertain Significance.

Ambry Genetics
Classification: Uncertain significance. Last evaluated: 2025-02-28. Review status: criteria provided, single submitter. Criteria: Ambry Variant Classification Scheme 2023. Collection method: clinical testing. Allele origin: germline.
Comment: The p.V207A variant (also known as c.620T>C), located in coding exon 1 of the MLH3 gene, results from a T to C substitution at nucleotide position 620. The valine at codon 207 is replaced by alanine, an amino acid with similar properties. This amino acid position is conserved. In addition, this alteration is predicted to be tolerated by in silico analysis. Since supporting evidence is limited at this time, the clinical significance of this alteration remains unclear.

NM_001040108.2(MLH3):c.620T>C (p.Val207Ala)

Gene: MLH3 (mutL homolog 3; minus strand). Cytogenetic location: 14q24.3.
Variant type: single nucleotide variant.
Coding change: c.620T>C on transcript NM_001040108.2 (MANE Select); coding-DNA position 620, T replaced by C.
Protein change: p.Val207Ala; replaces valine 207 with alanine.
Molecular consequence: missense variant.
Genome position (GRCh38, 1-based): chr14:75,049,036, A>G on the plus strand (T>C on the coding strand, the complement: MLH3 is on the minus strand). VCF-style: chr14-75049036-A-G. GRCh37 (hg19) VCF-style: chr14-75515739-A-G.
Other names: c.620T>C, p.Val207Ala (NM_014381.3); c.620T>C (NM_001040108.1); short protein forms V207A.
Identifiers: ClinVar variation 1471096 (VCV001471096.11), dbSNP rs1892474385, ClinGen allele CA390449761.
Genomic context (GRCh38, chr14:75,049,036, plus strand): 5'-CTTATTTCTCTTAGCTTTTGGGACTTTCCCAATCCATAAATTTGACAAAATCGGGAACAT[A>G]CGTCTTTGGTTTTAGGGAGCTGAAGAACCATGGAACCAGAAACATCATTTCTCAAAGAGA-3'
Protein context (NP_001035197.1, residues 197-217): MVLQLPKTKD[Val207Ala]CSRFCQIYGL